The following is an entry in ClinVar:

ClinVar aggregate classification (germline): Uncertain significance (1 of 4 stars; one submission).

Allele frequency attached by ClinVar (database versions not stated): gnomAD exomes below 0.00001; ExAC 0.00001.
gnomAD v4.1: 2 of 1,613,922 alleles (0.00012%); highest among the groups gnomAD compares: Middle Eastern, 0.016%; no homozygotes.

Submission:

Labcorp Genetics (formerly Invitae), Labcorp
Classification: Uncertain significance. Last evaluated: 2022-09-03. Review status: criteria provided, single submitter. Criteria: Invitae Variant Classification Sherloc (09022015). Collection method: clinical testing. Allele origin: germline.
Comment: In summary, the available evidence is currently insufficient to determine the role of this variant in disease. Therefore, it has been classified as a Variant of Uncertain Significance. Algorithms developed to predict the effect of missense changes on protein structure and function are either unavailable or do not agree on the potential impact of this missense change (SIFT: "Deleterious"; PolyPhen-2: "Benign"; Align-GVGD: "Class C35"). This variant has not been reported in the literature in individuals affected with SETBP1-related conditions. This variant is present in population databases (rs756556314, gnomAD 0.0009%). This sequence change replaces aspartic acid, which is acidic and polar, with glutamic acid, which is acidic and polar, at codon 412 of the SETBP1 protein (p.Asp412Glu).

NM_015559.3(SETBP1):c.1236T>G (p.Asp412Glu)

Gene: SETBP1 (SET binding protein 1; plus strand). Cytogenetic location: 18q12.3.
Variant type: single nucleotide variant.
Coding change: c.1236T>G on transcript NM_015559.3 (MANE Select); coding-DNA position 1236, T replaced by G.
Protein change: p.Asp412Glu; replaces aspartic acid 412 with glutamic acid.
Molecular consequence: missense variant.
Genome position (GRCh38, 1-based): chr18:44,950,576, T>G. VCF-style: chr18-44950576-T-G. GRCh37 (hg19) VCF-style: chr18-42530541-T-G.
Other names: c.1236T>G, p.Asp412Glu (NM_001379141.1, NM_001379142.1, NM_001410862.1); short protein forms D412E.
Identifiers: ClinVar variation 1718731 (VCV001718731.5), dbSNP rs756556314, ClinGen allele CA8945583.
Genomic context (GRCh38, chr18:44,950,576, plus strand): 5'-TCCTGAAAATGACTCAAGTCATGTCCGGATTACTATCCCCATCAAGGCACCCTCTCTGGA[T>G]CCAACCAACCATAAGAGGAAAAAAAGACAGTCCATTAAAGCGGTGGTGGAAAAGATCATG-3'
Protein context (NP_056374.2, residues 402-422): ITIPIKAPSL[Asp412Glu]PTNHKRKKRQ